The following is an entry in ClinVar:

ClinVar aggregate classification (germline): Conflicting classifications of pathogenicity. Review status: criteria provided, conflicting classifications (1 of 4 stars). 11 submissions from 11 submitters: Pathogenic (1); Likely pathogenic (1); Uncertain significance (9). Last evaluated 2025-08-19.

Conditions:
Cardiovascular phenotype. Identifiers: MedGen CN230736.
Dilated cardiomyopathy 2A (CMD2A). Also called: CARDIOMYOPATHY, CONGESTIVE, AUTOSOMAL RECESSIVE; CARDIOMYOPATHY, DILATED, AUTOSOMAL RECESSIVE. Identifiers: Orphanet 154, MedGen C2678474, MONDO:0012746, OMIM 611880.
Cardiomyopathy, familial restrictive, 1. Identifiers: Orphanet 75249, MedGen C1861861, MONDO:0007270, OMIM 115210.
Dilated cardiomyopathy 1FF (CMD1FF). Identifiers: Orphanet 154, MedGen C2750091, MONDO:0013211, OMIM 613286.
Hypertrophic cardiomyopathy 7. Also called: TNNI3-Related Familial Hypertrophic Cardiomyopathy; Familial hypertrophic cardiomyopathy 7; CARDIOMYOPATHY, FAMILIAL HYPERTROPHIC, 7, MODIFIER OF. Identifiers: MedGen C1860752, MONDO:0013369, OMIM 613690.
Cardiomyopathy (CMYO). Also called: Cardiomyopathies. Identifiers: Orphanet 167848, MedGen C0878544, MONDO:0004994, HP:0001638. Inheritance: Various modes of inheritance.
Hypertrophic cardiomyopathy. Also called: HYPERTROPHIC MYOCARDIOPATHY. Identifiers: Orphanet 217569, MedGen C0007194, MeSH D002312, MONDO:0005045, HP:0001639.

Allele frequency attached by ClinVar (database versions not stated): gnomAD 0.00004 and 0.00005; TOPMed 0.00005; gnomAD exomes 0.00006.
gnomAD v4.1: 69 of 1,614,026 alleles (0.0043%); highest among the groups gnomAD compares: Middle Eastern, 0.033%; no homozygotes.

Submissions 1 to 6 of 11:

Ambry Genetics
Classification: Uncertain significance for Cardiovascular phenotype. Last evaluated: 2025-08-19. Review status: criteria provided, single submitter. Criteria: Ambry Variant Classification Scheme 2023. Collection method: clinical testing. Allele origin: germline.
Comment: The p.R98* variant (also known as c.292C>T), located in coding exon 6 of the TNNI3 gene, results from a C to T substitution at nucleotide position 292. This changes the amino acid from an arginine to a stop codon within coding exon 6. This variant has been reported in individual(s) from dilated cardiomyopathy (DCM) and hypertrophic cardiomyopathy (HCM) cohorts, but clinical details were limited (Bollen IAE et al. J Physiol, 2017 Jul;595:4677-4693; Walsh R et al. Genet Med, 2017 Feb;19:192-203; Lu C et al. J Transl Med, 2018 Aug;16:241; Gran F et al. Eur J Pediatr, 2022 Jan;181:287-294). This variant has been identified in the homozygous state in individual(s) with features consistent with pediatric-onset dilated cardiomyopathy whose heterozygous relatives were reportedly unaffected (Bagnall RD. Circ Genom Precis Med. 2022 Dec;15(6):e003686; Sorrentino U. Genes (Basel). 2023 Mar;14(3)). Functional studies from one group suggest this variant may alter calcium sensitivity; however, the physiological relevance of this finding is unclear (Bollen IAE et al. J Physiol, 2017 Jul;595:4677-4693). This alteration is expected to result in loss of function by premature protein truncation or nonsense-mediated mRNA decay. Although biallelic loss of function of TNNI3 has been associated with autosomal recessive dilated cardiomyopathy, haploinsufficiency of TNNI3 has not been established as a mechanism of disease for autosomal dominant cardiomyopathy. Based on the supporting evidence, this variant is expected to be causative of autosomal recessive dilated cardiomyopathy when present along with a second pathogenic variant on the other allele; however, its clinical significance for autosomal dominant cardiomyopathy is unclear.

Labcorp Genetics (formerly Invitae), Labcorp
Classification: Pathogenic for Hypertrophic cardiomyopathy. Last evaluated: 2025-08-11. Review status: criteria provided, single submitter. Criteria: Invitae Variant Classification Sherloc (09022015). Collection method: clinical testing. Allele origin: germline.
Comment: This sequence change creates a premature translational stop signal (p.Arg98*) in the TNNI3 gene. It is expected to result in an absent or disrupted protein product. Loss-of-function variants in TNNI3 are known to be pathogenic (PMID: 31568572, 34036930, 35838873). This variant is present in population databases (rs730881068, gnomAD 0.01%). This premature translational stop signal has been observed in individual(s) with autosomal recessive dilated cardiomyopathy (PMID: 36252119, 36981019). ClinVar contains an entry for this variant (Variation ID: 181575). For these reasons, this variant has been classified as Pathogenic.

CeGaT Center for Human Genetics Tuebingen
Classification: Likely pathogenic. Last evaluated: 2025-03-01. Review status: criteria provided, single submitter. Criteria: CeGaT Center For Human Genetics Tuebingen Variant Classification Criteria Version 2. Collection method: clinical testing. Allele origin: germline. Affected: yes. Observed: 1 variant allele.
Comment: TNNI3: PVS1:Strong, PM2

All of Us Research Program, National Institutes of Health
Classification: Uncertain significance for Hypertrophic cardiomyopathy. Last evaluated: 2024-07-29. Review status: criteria provided, single submitter. Criteria: ACMG Guidelines, 2015. Collection method: clinical testing. Allele origin: germline. Inheritance: Autosomal dominant inheritance. Observed: 12 variant alleles, 12 heterozygotes.
Comment: This variant changes 1 nucleotide in exon 6 of the TNNI3 gene, creating a premature translation stop signal. This variant is expected to result in an absent or non-functional protein product. An experimental functional study has shown that this variant may cause reduced protein expression and increased Ca2+-sensitivity (PMID: 28436080). However, clinical relevance of this observation is not clear. This variant has been reported in several individuals affected with dilated cardiomyopathy (PMID: 28436080, 30165862, 34286374, 38795101), in one individual affected with hypertrophic cardiomyopathy (PMID: 27532257), and in a fetus affected with stillbirth (PMID: 30615648). This variant has also been reported in homozygosity in two infants affected with early-onset dilated cardiomyopathy (PMID: 36252119, 36981019); for both infants, both heterozygous parents were clinically unaffected. This variant has been identified in 16/280804 chromosomes in the general population by the Genome Aggregation Database (gnomAD). Clinical relevance of loss-of-function TNNI3 truncation variants in autosomal dominant cardiovascular disorders is not clearly established. The available evidence is insufficient to determine the role of this variant in disease conclusively. Therefore, this variant is classified as a Variant of Uncertain Significance.

This study involves interpretation of variants in research participants for the purpose of population health screening. Participant phenotype was not available at the time of variant classification. Additional details can be found in publication PMID: 35346344, PMCID: PMC8962531

Mayo Clinic Laboratories, Mayo Clinic
Classification: Uncertain significance. Last evaluated: 2024-07-22. Review status: criteria provided, single submitter. Criteria: ACMG Guidelines, 2015. Collection method: clinical testing. Allele origin: germline. Observed: 1 variant allele.
Comment: PM3

Color Diagnostics, LLC DBA Color Health
Classification: Uncertain significance for Cardiomyopathy. Last evaluated: 2024-06-06. Review status: criteria provided, single submitter. Criteria: ACMG Guidelines, 2015. Collection method: clinical testing. Allele origin: germline.
Comment: This variant changes 1 nucleotide in exon 6 of the TNNI3 gene, creating a premature translation stop signal. This variant is expected to result in an absent or non-functional protein product. An experimental functional study has shown that this variant may cause reduced protein expression and increased Ca2+-sensitivity (PMID: 28436080). However, clinical relevance of this observation is not clear. This variant has been reported in several individuals affected with dilated cardiomyopathy (PMID: 28436080, 30165862, 34286374, 38795101), in one individual affected with hypertrophic cardiomyopathy (PMID: 27532257), and in a fetus affected with stillbirth (PMID: 30615648). This variant has also been reported in homozygosity in two infants affected with early-onset dilated cardiomyopathy (PMID: 36252119, 36981019); for both infants, both heterozygous parents were clinically unaffected. This variant has been identified in 16/280804 chromosomes in the general population by the Genome Aggregation Database (gnomAD). Clinical relevance of loss-of-function TNNI3 truncation variants in autosomal dominant cardiovascular disorders is not clearly established. The available evidence is insufficient to determine the role of this variant in disease conclusively. Therefore, this variant is classified as a Variant of Uncertain Significance.

NM_000363.5(TNNI3):c.292C>T (p.Arg98Ter)

Gene: TNNI3 (troponin I3, cardiac type; minus strand). Cytogenetic location: 19q13.42.
Variant type: single nucleotide variant.
Coding change: c.292C>T on transcript NM_000363.5 (MANE Select); coding-DNA position 292, C replaced by T.
Protein change: p.Arg98Ter; replaces arginine 98 with a stop codon.
Molecular consequence: nonsense.
Genome position (GRCh38, 1-based): chr19:55,154,821, G>A on the plus strand (C>T on the coding strand, the complement: TNNI3 is on the minus strand). VCF-style: chr19-55154821-G-A. GRCh37 (hg19) VCF-style: chr19-55666189-G-A.
Other names: p.R98X:CGA>TGA; p.Arg98*; c.292C>T (LRG_432t1); short protein forms R98*.
Identifiers: ClinVar variation 181575 (VCV000181575.44), dbSNP rs730881068, ClinGen allele CA021463.